The following is an entry in ClinVar:

ClinVar aggregate classification (germline): Pathogenic. Review status: criteria provided, multiple submitters, no conflicts (2 of 4 stars). 4 submissions from 4 submitters: Pathogenic (4). Last evaluated 2025-08-20.

Conditions:
Anterior segment dysgenesis 6 (ASGD6). Also called: Anterior segment dysgenesis 6, multiple subtypes. Identifiers: MedGen C4310623, MONDO:0015016, OMIM 617315.
Congenital glaucoma. Identifiers: MedGen C0020302, MONDO:0020366.
Glaucoma 3A. Also called: Glaucoma 3, primary congenital, A. Identifiers: Orphanet 98976, Orphanet 98977, MedGen C1856439, MONDO:0009277, OMIM 231300.

Allele frequency attached by ClinVar (database versions not stated): TOPMed 0.00003; gnomAD 0.00001; gnomAD exomes below 0.00001.

Submissions (4):

Dasa
Classification: Pathogenic. Last evaluated: 2025-08-20. Review status: criteria provided, single submitter. Criteria: DASA Assertion Criteria. Collection method: clinical testing. Allele origin: germline.
Comment: NM_000104.4(CYP1B1):c.55C>T (p.Gln19*) introduces a premature termination codon predicted to result in loss of normal protein function. Loss-of-function is an established mechanism of disease for this gene. This variant has been observed in affected individuals with related phenotype in a genotype context consistent with recessive disease (PMID: 30520782; PMID: 12036985; PMID: 23218183; PMID: 21854771; PMID: 21572728). This variant has been recurrently observed in individuals with related phenotype (PMID: 30520782; PMID: 12036985; PMID: 23218183; PMID: 21854771; PMID: 21572728). The variant is present at low frequency in population datasets. Based on the available data, this variant is classified as pathogenic.

Fulgent Genetics
Classification: Pathogenic for Glaucoma 3A; Anterior segment dysgenesis 6. Last evaluated: 2024-03-20. Review status: criteria provided, single submitter. Criteria: ACMG Guidelines, 2015. Collection method: clinical testing. Allele origin: germline.

Baylor Genetics
Classification: Pathogenic for Anterior segment dysgenesis 6. Last evaluated: 2024-02-24. Review status: criteria provided, single submitter. Criteria: ACMG Guidelines, 2015. Collection method: clinical testing. Allele origin: unknown.

Labcorp Genetics (formerly Invitae), Labcorp
Classification: Pathogenic for Congenital glaucoma. Last evaluated: 2023-10-06. Review status: criteria provided, single submitter. Criteria: Invitae Variant Classification Sherloc (09022015). Collection method: clinical testing. Allele origin: germline.
Comment: This sequence change creates a premature translational stop signal (p.Gln19*) in the CYP1B1 gene. It is expected to result in an absent or disrupted protein product. Loss-of-function variants in CYP1B1 are known to be pathogenic (PMID: 9097971, 9497261, 19234632). This variant is not present in population databases (gnomAD no frequency). This premature translational stop signal has been observed in individual(s) with glaucoma (PMID: 12036985). This variant is also known as c.3860C>T. ClinVar contains an entry for this variant (Variation ID: 1442930). For these reasons, this variant has been classified as Pathogenic.

Literature cited by the submitters: PubMed 30520782 (cited by Dasa); PubMed 12036985 (cited by Dasa and Labcorp Genetics (formerly Invitae), Labcorp); PubMed 23218183 (cited by Dasa); PubMed 21854771 (cited by Dasa); PubMed 21572728 (cited by Dasa); PubMed 22942166 (cited by Dasa); PubMed 19528825 (cited by Dasa); PubMed 9097971 (cited by Labcorp Genetics (formerly Invitae), Labcorp); PubMed 9497261 (cited by Labcorp Genetics (formerly Invitae), Labcorp); PubMed 19234632 (cited by Labcorp Genetics (formerly Invitae), Labcorp).

NM_000104.4(CYP1B1):c.55C>T (p.Gln19Ter)

Gene: CYP1B1 (cytochrome P450 family 1 subfamily B member 1; minus strand). Cytogenetic location: 2p22.2.
Variant type: single nucleotide variant.
Coding change: c.55C>T on transcript NM_000104.4 (MANE Select); coding-DNA position 55, C replaced by T.
Protein change: p.Gln19Ter; replaces glutamine 19 with a stop codon.
Molecular consequence: nonsense.
Genome position (GRCh38, 1-based): chr2:38,075,334, G>A on the plus strand (C>T on the coding strand, the complement: CYP1B1 is on the minus strand). VCF-style: chr2-38075334-G-A. GRCh37 (hg19) VCF-style: chr2-38302477-G-A.
Other names: short protein forms Q19*.
Identifiers: ClinVar variation 1442930 (VCV001442930.11), dbSNP rs72549388, ClinGen allele CA45512033.
Genomic context (GRCh38, chr2:38,075,334, plus strand): 5'-GCCGCTGGCCCACATGCACAGTGGCCAGCACCGACAGGAGTAGCAGGAGCGTGGTCTGCT[G>A]GATGGACAGCGGGTTTAGCGGCCAAGGGTCGTTCGGGCTGAGGCTGGTGCCCATGCTGGG-3'